The following is an entry in ClinVar:

NM_002739.5(PRKCG):c.*596C>T

Gene: PRKCG (protein kinase C gamma; plus strand). Cytogenetic location: 19q13.42.
Variant type: single nucleotide variant.
Coding change: c.*596C>T on transcript NM_002739.5 (MANE Select); 596 bases downstream of the stop codon, C replaced by T.
Molecular consequence: 3 prime UTR variant.
Genome position (GRCh38, 1-based): chr19:53,907,491, C>T. VCF-style: chr19-53907491-C-T. GRCh37 (hg19) VCF-style: chr19-54410745-C-T.
Other names: c.*596C>T (LRG_669t1); c.*455C>T (NM_001316329.2).
Identifiers: ClinVar variation 330083 (VCV000330083.5), dbSNP rs60891969, ClinGen allele CA10652766.
Genomic context (GRCh38, chr19:53,907,491, plus strand): 5'-CAGAGGCTCCCAATCAGCTTTTGTTCTAGACTTCCCCATCCCGAAGCCATCACTTCTCCC[C>T]GCAGCCCGCCTGCCGTGCATGGCTCCTGTCTGGCTCGGACCCACCCCAACTCTCCCCAGT-3'

ClinVar aggregate classification (germline): Benign (1 of 4 stars; one submission).

Conditions:
Spinocerebellar ataxia type 14 (SCA14). Identifiers: Orphanet 98763, MedGen C1854369, MONDO:0011540, OMIM 605361.

Allele frequency attached by ClinVar (database versions not stated): gnomAD exomes 0.00201; gnomAD 0.03796 and 0.04062; TOPMed 0.04375; 1000 Genomes Project 0.04413; 1000 Genomes Project 30x 0.04513.

Submission:

Illumina Laboratory Services, Illumina
Classification: Benign for Spinocerebellar ataxia type 14. Last evaluated: 2018-01-13. Review status: criteria provided, single submitter. Criteria: ICSL Variant Classification Criteria 13 December 2019. Collection method: clinical testing. Allele origin: germline.
Comment: This variant was observed in the ICSL laboratory as part of a predisposition screen in an ostensibly healthy population. It had not been previously curated by ICSL or reported in the Human Gene Mutation Database (HGMD: prior to June 1st, 2018), and was therefore a candidate for classification through an automated scoring system. Utilizing variant allele frequency, disease prevalence and penetrance estimates, and inheritance mode, an automated score was calculated to assess if this variant is too frequent to cause the disease. Based on the score and internal cut-off values, a variant classified as benign is not then subjected to further curation. The score for this variant resulted in a classification of benign for this disease.